The following is an entry in ClinVar:

ClinVar aggregate classification (germline): Uncertain significance (1 of 4 stars; one submission).

Submission:

Labcorp Genetics (formerly Invitae), Labcorp
Classification: Uncertain significance. Last evaluated: 2025-03-03. Review status: criteria provided, single submitter. Criteria: Invitae Variant Classification Sherloc (09022015). Collection method: clinical testing. Allele origin: germline.
Comment: This sequence change replaces lysine with glutamic acid at codon 161 of the RSPO1 protein (p.Lys161Glu). The lysine residue is highly conserved and there is a small physicochemical difference between lysine and glutamic acid. This variant is not present in population databases (gnomAD no frequency). This variant has not been reported in the literature in individuals affected with RSPO1-related conditions. ClinVar contains an entry for this variant (Variation ID: 1507947). An algorithm developed to predict the effect of missense changes on protein structure and function (PolyPhen-2) suggests that this variant is likely to be disruptive. In summary, the available evidence is currently insufficient to determine the role of this variant in disease. Therefore, it has been classified as a Variant of Uncertain Significance.

NM_001242908.2(RSPO1):c.481A>G (p.Lys161Glu)

Gene: RSPO1 (R-spondin 1; minus strand). Cytogenetic location: 1p34.3.
Variant type: single nucleotide variant.
Coding change: c.481A>G on transcript NM_001242908.2 (MANE Select); coding-DNA position 481, A replaced by G.
Protein change: p.Lys161Glu; replaces lysine 161 with glutamic acid.
Molecular consequence: missense variant. On other transcripts: intron variant (1).
Genome position (GRCh38, 1-based): chr1:37,613,848, T>C on the plus strand (A>G on the coding strand, the complement: RSPO1 is on the minus strand). VCF-style: chr1-37613848-T-C. GRCh37 (hg19) VCF-style: chr1-38079520-T-C.
Other names: c.481A>G, p.Lys161Glu (NM_001038633.4); c.400A>G, p.Lys134Glu (NM_001242909.2); c.436+336A>G (NM_001242910.2); short protein forms K134E, K161E.
Identifiers: ClinVar variation 1507947 (VCV001507947.6), dbSNP rs2148158604, ClinGen allele CA339460050.